The following is an entry in ClinVar:

NM_000535.7(PMS2):c.527A>T (p.Asn176Ile)

Gene: PMS2 (PMS1 homolog 2, mismatch repair system component; minus strand). Cytogenetic location: 7p22.1.
Variant type: single nucleotide variant.
Coding change: c.527A>T on transcript NM_000535.7 (MANE Select); coding-DNA position 527, A replaced by T.
Protein change: p.Asn176Ile; replaces asparagine 176 with isoleucine.
Molecular consequence: missense variant. On other transcripts: 5 prime UTR variant (2), non-coding transcript variant (1).
Genome position (GRCh38, 1-based): chr7:6,002,463, T>A on the plus strand (A>T on the coding strand, the complement: PMS2 is on the minus strand). VCF-style: chr7-6002463-T-A. GRCh37 (hg19) VCF-style: chr7-6042094-T-A.
Other names: c.122A>T, p.Asn41Ile (NM_001322003.2, NM_001322004.2, NM_001322005.2 and 3 more transcripts); c.527A>T, p.Asn176Ile (NM_001322006.2, NM_001322014.2); c.209A>T, p.Asn70Ile (NM_001322007.2, NM_001322008.2); c.-358A>T (NM_001322011.2, NM_001322012.2); c.218A>T, p.Asn73Ile (NM_001322015.2); short protein forms N70I, N176I, N41I, N73I.
Identifiers: ClinVar variation 847830 (VCV000847830.13), dbSNP rs1785189018, ClinGen allele CA366744168.

ClinVar aggregate classification (germline): Uncertain significance. Review status: criteria provided, multiple submitters, no conflicts (2 of 4 stars). 3 submissions from 3 submitters: Uncertain significance (3). Last evaluated 2025-01-06.

Conditions:
Hereditary cancer-predisposing syndrome. Also called: Tumor predisposition; Hereditary neoplastic syndrome; Neoplastic Syndromes, Hereditary; Hereditary Cancer Syndrome. Identifiers: Orphanet 140162, MedGen C0027672, MeSH D009386, MONDO:0015356.
Hereditary nonpolyposis colorectal neoplasms. Identifiers: MedGen C0009405, MeSH D003123.
Lynch syndrome 4 (LYNCH4). Also called: Hereditary non-polyposis colorectal cancer, type 4; Colorectal cancer, hereditary nonpolyposis, type 4. Identifiers: Orphanet 144, MedGen C1838333, MONDO:0013699, OMIM 614337. Disease mechanism: loss of function.

Submissions (3):

Labcorp Genetics (formerly Invitae), Labcorp
Classification: Uncertain significance for Hereditary nonpolyposis colorectal neoplasms. Last evaluated: 2025-01-06. Review status: criteria provided, single submitter. Criteria: Invitae Variant Classification Sherloc (09022015). Collection method: clinical testing. Allele origin: germline.
Comment: This sequence change replaces asparagine, which is neutral and polar, with isoleucine, which is neutral and non-polar, at codon 176 of the PMS2 protein (p.Asn176Ile). This variant is not present in population databases (gnomAD no frequency). This variant has not been reported in the literature in individuals affected with PMS2-related conditions. ClinVar contains an entry for this variant (Variation ID: 847830). Invitae Evidence Modeling incorporating data from in vitro experimental studies (internal data) indicates that this missense variant is not expected to disrupt PMS2 function with a negative predictive value of 95%. In summary, the available evidence is currently insufficient to determine the role of this variant in disease. Therefore, it has been classified as a Variant of Uncertain Significance.

Baylor Genetics
Classification: Uncertain significance for Lynch syndrome 4. Last evaluated: 2024-03-13. Review status: criteria provided, single submitter. Criteria: ACMG Guidelines, 2015. Collection method: clinical testing. Allele origin: unknown.

Ambry Genetics
Classification: Uncertain significance for Hereditary cancer-predisposing syndrome. Last evaluated: 2022-06-22. Review status: criteria provided, single submitter. Criteria: Ambry Variant Classification Scheme 2023. Collection method: clinical testing. Allele origin: germline.
Comment: The p.N176I variant (also known as c.527A>T), located in coding exon 5 of the PMS2 gene, results from an A to T substitution at nucleotide position 527. The asparagine at codon 176 is replaced by isoleucine, an amino acid with dissimilar properties. This amino acid position is highly conserved in available vertebrate species. In addition, this alteration is predicted to be deleterious by in silico analysis. Since supporting evidence is limited at this time, the clinical significance of this alteration remains unclear.